The following is an entry in ClinVar:

NM_001287491.2(TET3):c.1020C>G (p.Ser340=)

Gene: TET3 (tet methylcytosine dioxygenase 3; plus strand). Cytogenetic location: 2p13.1.
Variant type: single nucleotide variant.
Coding change: c.1020C>G on transcript NM_001287491.2 (MANE Select); coding-DNA position 1020, C replaced by G.
Protein change: p.Ser340=; no amino-acid change (serine 340 retained).
Molecular consequence: synonymous variant.
Genome position (GRCh38, 1-based): chr2:74,046,937, C>G. VCF-style: chr2-74046937-C-G. GRCh37 (hg19) VCF-style: chr2-74274064-C-G.
Other names: c.741C>G, p.Ser247= (NM_001366022.1).
Identifiers: ClinVar variation 1675786 (VCV001675786.34), dbSNP rs201715061, ClinGen allele CA1718518.

ClinVar aggregate classification (germline): Likely benign. Review status: criteria provided, multiple submitters, no conflicts (2 of 4 stars). 3 submissions from 3 submitters: Likely benign (3). Last evaluated 2026-07-01.

Allele frequency attached by ClinVar (database versions not stated): TOPMed 0.00053; gnomAD 0.00060 and 0.00062; gnomAD exomes 0.00064 and 0.00066; ExAC 0.00065; ESP Exome Variant Server 0.00073.
gnomAD v4.1: 1,064 of 1,613,946 alleles (0.066%); highest among the groups gnomAD compares: Middle Eastern, 0.36%; 2 homozygotes.

Submissions (3):

CeGaT Center for Human Genetics Tuebingen
Classification: Likely benign. Last evaluated: 2026-07-01. Review status: criteria provided, single submitter. Criteria: CeGaT Center For Human Genetics Tuebingen Variant Classification Criteria Version 2. Collection method: clinical testing. Allele origin: germline. Affected: yes. Observed: 10 variant alleles.
Comment: TET3: BP4, BP7

Blueprint Genetics
Classification: Likely benign. Last evaluated: 2024-11-21. Review status: criteria provided, single submitter. Criteria: ACMG Guidelines, 2015. Collection method: clinical testing. Allele origin: germline.

Breakthrough Genomics
Classification: Likely benign. Review status: criteria provided, single submitter. Criteria: ACMG Guidelines, 2015. Collection method: not provided. Allele origin: germline. Inheritance: Autosomal dominant inheritance. Affected: yes.